The following is an entry in ClinVar:

NM_000492.4(CFTR):c.3217dup (p.Tyr1073fs)

Genes: CFTR (CF transmembrane conductance regulator; plus strand), CFTR-AS2 (CFTR antisense RNA 2; minus strand), LOC111674472 (DNase I hypersensitive sites in introns 16 and 17a of CFTR; plus strand). Cytogenetic location: 7q31.2.
Variant type: Duplication.
Coding change: c.3217dup on transcript NM_000492.4 (MANE Select); coding-DNA position 3217, one base duplicated (T; older notation c.3217dupT).
Protein change: p.Tyr1073fs; shifts the reading frame from tyrosine 1073.
Molecular consequence: frameshift variant.
Genome position (GRCh38, 1-based): chr7:117,611,658, T duplicated; the last of 2 consecutive T bases (chr7:117,611,657-117,611,658); duplicating either gives the same sequence. VCF-style (leftmost placement, unchanged base first): chr7-117611656-C-CT. GRCh37 (hg19) VCF-style: chr7-117251710-C-CT.
Other names: c.3217dupT (NM_000492.3); short protein forms Y1073fs.
Identifiers: ClinVar variation 487379 (VCV000487379.3), dbSNP rs768963919, ClinGen allele CA4451409.

ClinVar aggregate classification (germline): Pathogenic. Review status: reviewed by expert panel (3 of 4 stars). 3 submissions from 3 submitters: Pathogenic (1). 2 of the submissions do not count toward it. Last evaluated 2017-03-17.

Conditions:
CFTR-related disorder (CFTR-RD). Also called: CFTR-related disorders; CFTR-related condition. Identifiers: MedGen C5924204, MONDO:7770004.
Cystic fibrosis (CF). Also called: MUCOVISCIDOSIS. Identifiers: Orphanet 586, MedGen C0010674, MONDO:0009061, OMIM 219700. Disease mechanism: loss of function.

Submissions (3):

CFTR2
Classification: Pathogenic for Cystic fibrosis. Last evaluated: 2017-03-17. Review status: reviewed by expert panel. Criteria: Sosnay PR et al. (Nat Genet 2013). Collection method: research. Allele origin: germline. Affected: yes. Study: CFTR2.

Natera, Inc.
Classification: Pathogenic for CFTR-related disorders. Last evaluated: 2025-10-04. Review status: criteria provided, single submitter. Criteria: Natera Variant Classification Schema (03/2026). Collection method: clinical testing. Allele origin: germline. Not counted in ClinVar's aggregate classification.
Comment: The c.3217dupT variant in CFTR is a frameshift variant predicted to shift the reading frame beginning at codon 1073 and leads to a stop codon 3 codons downstream. This variant is expected to result in nonsense mediated decay, truncation, or a dysfunctional protein product. This variant is rare in the general population with a frequency below the threshold expected for the associated phenotype(s). This variant has been observed in one or more individuals affected with the associated recessive disease, as either homozygous or compound heterozygous with a second variant (PMID: 34782259). Given the available evidence, this variant is classified as Pathogenic.

Clinical Genetics and Genomics, Karolinska University Hospital
Classification: Likely pathogenic. Last evaluated: 2015-06-09. Review status: criteria provided, single submitter. Criteria: ACMG Guidelines, 2015. Collection method: clinical testing. Allele origin: germline. Affected: yes. Observed: 1 variant allele. Not counted in ClinVar's aggregate classification.

Literature cited by the submitters: PubMed 34782259 (cited by Natera, Inc.).